The following is an entry in ClinVar:

NM_000069.3(CACNA1S):c.3443A>G (p.His1148Arg)

Gene: CACNA1S (calcium voltage-gated channel subunit alpha1 S; minus strand). Cytogenetic location: 1q32.1.
Variant type: single nucleotide variant.
Coding change: c.3443A>G on transcript NM_000069.3 (MANE Select); coding-DNA position 3443, A replaced by G.
Protein change: p.His1148Arg; replaces histidine 1148 with arginine.
Molecular consequence: missense variant.
Genome position (GRCh38, 1-based): chr1:201,059,271, T>C on the plus strand (A>G on the coding strand, the complement: CACNA1S is on the minus strand). VCF-style: chr1-201059271-T-C. GRCh37 (hg19) VCF-style: chr1-201028399-T-C.
Other names: short protein forms H1148R.
Identifiers: ClinVar variation 3071510 (VCV003071510.2), dbSNP rs2464489914, ClinGen allele CA344158741.

ClinVar aggregate classification (germline): Uncertain significance. Review status: criteria provided, multiple submitters, no conflicts (2 of 4 stars). 2 submissions from 2 submitters: Uncertain significance (2). Last evaluated 2025-07-16.

Conditions:
Malignant hyperthermia, susceptibility to, 5 (MHS5). Also called: CACNA1S-Related Malignant Hyperthermia Susceptibility. Identifiers: Orphanet 423, MedGen C1866077, MONDO:0011163, OMIM 601887.
Hypokalemic periodic paralysis, type 1. Also called: HypoPP; Hypokalemic Periodic Paralysis Type 1 (AD). Identifiers: Orphanet 681, MedGen C3714580, MONDO:0042979, OMIM 170400.

Allele frequency attached by ClinVar (database versions not stated): gnomAD exomes 0.00001.
gnomAD v4.1: 6 of 1,613,796 alleles (0.00037%); highest among the groups gnomAD compares: Non-Finnish European, 0.00051%; no homozygotes.

Submissions (2):

Labcorp Genetics (formerly Invitae), Labcorp
Classification: Uncertain significance for Hypokalemic periodic paralysis, type 1; Malignant hyperthermia, susceptibility to, 5. Last evaluated: 2025-07-16. Review status: criteria provided, single submitter. Criteria: Invitae Variant Classification Sherloc (09022015). Collection method: clinical testing. Allele origin: germline.
Comment: This sequence change replaces histidine, which is basic and polar, with arginine, which is basic and polar, at codon 1148 of the CACNA1S protein (p.His1148Arg). This variant is not present in population databases (gnomAD no frequency). This variant has not been reported in the literature in individuals affected with CACNA1S-related conditions. ClinVar contains an entry for this variant (Variation ID: 3071510). Invitae Evidence Modeling of protein sequence and biophysical properties (such as structural, functional, and spatial information, amino acid conservation, physicochemical variation, residue mobility, and thermodynamic stability) indicates that this missense variant is not expected to disrupt CACNA1S protein function with a negative predictive value of 95%. In summary, the available evidence is currently insufficient to determine the role of this variant in disease. Therefore, it has been classified as a Variant of Uncertain Significance.

All of Us Research Program, National Institutes of Health
Classification: Uncertain significance for Malignant hyperthermia, susceptibility to, 5. Last evaluated: 2023-08-15. Review status: criteria provided, single submitter. Criteria: ACMG Guidelines, 2015. Collection method: clinical testing. Allele origin: germline. Inheritance: Autosomal dominant inheritance. Observed: 2 variant alleles, 2 heterozygotes.
Comment: This missense variant replaces histidine with arginine at codon 1148 of the CACNA1S protein. Computational prediction suggests that this variant may not impact protein structure and function (internally defined REVEL score threshold <= 0.5, PMID: 27666373). To our knowledge, functional studies have not been reported for this variant. This variant has not been reported in individuals affected with CACNA1S-related disorders in the literature. This variant has not been identified in the general population by the Genome Aggregation Database (gnomAD). The available evidence is insufficient to determine the role of this variant in disease conclusively. Therefore, this variant is classified as a Variant of Uncertain Significance.

This study involves interpretation of variants in research participants for the purpose of population health screening. Participant phenotype was not available at the time of variant classification. Additional details can be found in publication PMID: 35346344, PMCID: PMC8962531